The following is an entry in ClinVar:

ClinVar aggregate classification (germline): Uncertain significance. Review status: criteria provided, multiple submitters, no conflicts (2 of 4 stars). 3 submissions from 3 submitters: Uncertain significance (2). 1 of the submissions does not count toward it. Last evaluated 2024-04-24.

Conditions:
Hereditary cancer-predisposing syndrome. Also called: Hereditary Cancer Syndrome; Hereditary neoplastic syndrome; Neoplastic Syndromes, Hereditary; Tumor predisposition. Identifiers: Orphanet 140162, MedGen C0027672, MeSH D009386, MONDO:0015356.
Colorectal cancer, susceptibility to, 12 (CRCS12). Also called: COLORECTAL CANCER, SUSCEPTIBILITY TO, ON CHROMOSOME 12q24. Identifiers: Orphanet 220460, MedGen C3554460, MONDO:0014038, OMIM 615083.

Allele frequency attached by ClinVar (database versions not stated): gnomAD exomes below 0.00001.

Submissions (3):

Labcorp Genetics (formerly Invitae), Labcorp
Classification: Uncertain significance. Last evaluated: 2024-04-24. Review status: criteria provided, single submitter. Criteria: Invitae Variant Classification Sherloc (09022015). Collection method: clinical testing. Allele origin: germline.
Comment: This sequence change replaces methionine, which is neutral and non-polar, with isoleucine, which is neutral and non-polar, at codon 1024 of the POLE protein (p.Met1024Ile). This variant is not present in population databases (gnomAD no frequency). This variant has not been reported in the literature in individuals affected with POLE-related conditions. ClinVar contains an entry for this variant (Variation ID: 405641). Advanced modeling of protein sequence and biophysical properties (such as structural, functional, and spatial information, amino acid conservation, physicochemical variation, residue mobility, and thermodynamic stability) performed at Invitae indicates that this missense variant is not expected to disrupt POLE protein function with a negative predictive value of 80%. In summary, the available evidence is currently insufficient to determine the role of this variant in disease. Therefore, it has been classified as a Variant of Uncertain Significance.

Ambry Genetics
Classification: Uncertain significance for Hereditary cancer-predisposing syndrome. Last evaluated: 2023-10-24. Review status: criteria provided, single submitter. Criteria: Ambry Variant Classification Scheme 2023. Collection method: clinical testing. Allele origin: germline.
Comment: The p.M1024I variant (also known as c.3072G>T), located in coding exon 26 of the POLE gene, results from a G to T substitution at nucleotide position 3072. The methionine at codon 1024 is replaced by isoleucine, an amino acid with highly similar properties. This amino acid position is conserved. In addition, the in silico prediction for this alteration is inconclusive. Since supporting evidence is limited at this time, the clinical significance of this alteration remains unclear.

Zotz-Klimas Genetics Lab, MVZ Zotz Klimas
Classification: Uncertain significance for Colorectal cancer, susceptibility to, 12. Last evaluated: 2023-10-30. Review status: no assertion criteria provided. Collection method: clinical testing. Allele origin: germline. Affected: yes. Not counted in ClinVar's aggregate classification.

NM_006231.4(POLE):c.3072G>T (p.Met1024Ile)

Gene: POLE (DNA polymerase epsilon, catalytic subunit; minus strand). Cytogenetic location: 12q24.33.
Variant type: single nucleotide variant.
Coding change: c.3072G>T on transcript NM_006231.4 (MANE Select); coding-DNA position 3072, G replaced by T.
Protein change: p.Met1024Ile; replaces methionine 1024 with isoleucine.
Molecular consequence: missense variant.
Genome position (GRCh38, 1-based): chr12:132,659,498, C>A on the plus strand (G>T on the coding strand, the complement: POLE is on the minus strand). VCF-style: chr12-132659498-C-A. GRCh37 (hg19) VCF-style: chr12-133236084-C-A.
Other names: short protein forms M1024I.
Identifiers: ClinVar variation 405641 (VCV000405641.9), dbSNP rs1060500791, ClinGen allele CA16613891.
Genomic context (GRCh38, chr12:132,659,498, plus strand): 5'-TTCCAGCTTCCGAGACATGGAACGGTTCTCAGAGATGAGCTCGAATAGCTCAGAGTCAGG[C>A]ATGTTGGCTGCCTAGAGAAAGACAATGGGTAAAACACTGCAGAAATCAAGGGGCAGAGTC-3'
Protein context (NP_006222.2, residues 1014-1034): LDVLYSKAAN[Met1024Ile]PDSELFELIS